The following is an entry in ClinVar:

NM_005188.4(CBL):c.444-282G>A

Gene: CBL (Cbl proto-oncogene; plus strand). Cytogenetic location: 11q23.3.
Variant type: single nucleotide variant.
Coding change: c.444-282G>A on transcript NM_005188.4 (MANE Select); 282 bases into the intron before coding-DNA position 444, G replaced by A.
Molecular consequence: intron variant.
Genome position (GRCh38, 1-based): chr11:119,271,453, G>A. VCF-style: chr11-119271453-G-A. GRCh37 (hg19) VCF-style: chr11-119142163-G-A.
Identifiers: ClinVar variation 561940 (VCV000561940.1), dbSNP rs115279244, ClinGen allele CA229658141.

ClinVar aggregate classification (germline): Likely benign (1 of 4 stars; one submission).

Allele frequency attached by ClinVar (database versions not stated): gnomAD 0.00961 and 0.00953; TOPMed 0.01079; 1000 Genomes Project 30x 0.01405; 1000 Genomes Project 0.01438.
gnomAD v4.1: 1,450 of 152,280 alleles (0.95%); highest among the groups gnomAD compares: African/African-American, 2.7%; 18 homozygotes.

Submission:

GeneDx
Classification: Likely benign. Last evaluated: 2018-06-19. Review status: criteria provided, single submitter. Criteria: GeneDx Variant Classification (06012015). Collection method: clinical testing. Allele origin: germline. Affected: yes.
Comment: This variant is considered likely benign or benign based on one or more of the following criteria: it is a conservative change, it occurs at a poorly conserved position in the protein, it is predicted to be benign by multiple in silico algorithms, and/or has population frequency not consistent with disease.